The following is an entry in ClinVar:

ClinVar aggregate classification (germline): Likely pathogenic (1 of 4 stars; one submission).

Conditions:
Primary ciliary dyskinesia 3. Identifiers: Orphanet 244, MedGen C1837618, MONDO:0012085, OMIM 608644.

Submission:

Myriad Genetics, Inc.
Classification: Likely pathogenic for Primary ciliary dyskinesia 3. Last evaluated: 2022-01-25. Review status: criteria provided, single submitter. Criteria: Myriad Women's Health Autosomal Recessive and X-Linked Classification Criteria (2021). Collection method: clinical testing. Allele origin: unknown.
Comment: NM_001369.2(DNAH5):c.3886_3887delATinsGTGG(I1296Vfs*26) is expected to be pathogenic in the context of DNAH5-related primary ciliary dyskinesia. This variant is predicted to lead to an abnormal or absent protein product due to the creation of a premature termination codon in DNAH5, a gene where loss-of-function variants are known to be pathogenic. Please note: this variant was assessed in the context of healthy population screening.

NM_001369.3(DNAH5):c.3886_3887delinsGTGG (p.Ile1296fs)

Genes: DNAH5-AS1 (DNAH5 antisense RNA 1; plus strand), DNAH5 (dynein axonemal heavy chain 5; minus strand). Cytogenetic location: 5p15.2.
Variant type: Indel.
Coding change: c.3886_3887delinsGTGG on transcript NM_001369.3 (MANE Select); coding-DNA positions 3886 to 3887, AT replaced by GTGG.
Protein change: p.Ile1296fs; shifts the reading frame from isoleucine 1296.
Molecular consequence: frameshift variant.
Genome position (GRCh38, 1-based): chr5:13,867,940-13,867,941, AT replaced by CCAC on the plus strand (AT replaced by GTGG on the coding strand, the reverse complement: DNAH5 is on the minus strand). VCF-style: chr5-13867940-AT-CCAC. GRCh37 (hg19) VCF-style: chr5-13868049-AT-CCAC.
Other names: short protein forms I1296fs.
Identifiers: ClinVar variation 1724123 (VCV001724123.2), dbSNP rs2546988548, ClinGen allele CA2580072184.